The following is an entry in ClinVar:

NM_003327.4(TNFRSF4):c.764-1G>A

Gene: TNFRSF4 (TNF receptor superfamily member 4; minus strand). Cytogenetic location: 1p36.33.
Variant type: single nucleotide variant.
Coding change: c.764-1G>A on transcript NM_003327.4 (MANE Select); the canonical splice acceptor site of the intron before coding-DNA position 764, G replaced by A.
Molecular consequence: splice acceptor variant. On other transcripts: missense variant (1).
Genome position (GRCh38, 1-based): chr1:1,211,626, C>T on the plus strand (G>A on the coding strand, the complement: TNFRSF4 is on the minus strand). VCF-style: chr1-1211626-C-T. GRCh37 (hg19) VCF-style: chr1-1147006-C-T.
Other names: c.841G>A, p.Gly281Arg (NM_001410709.1); short protein forms G281R.
Identifiers: ClinVar variation 1401820 (VCV001401820.8), dbSNP rs773552376, ClinGen allele CA337798430.

ClinVar aggregate classification (germline): Uncertain significance (1 of 4 stars; one submission).

Conditions:
Combined immunodeficiency due to OX40 deficiency. Also called: Immunodeficiency 16; OX40 DEFICIENCY. Identifiers: Orphanet 431149, MedGen C3810053, MONDO:0014268, OMIM 615593.

Submission:

Labcorp Genetics (formerly Invitae), Labcorp
Classification: Uncertain significance for Combined immunodeficiency due to OX40 deficiency. Last evaluated: 2025-10-23. Review status: criteria provided, single submitter. Criteria: Invitae Variant Classification Sherloc (09022015). Collection method: clinical testing. Allele origin: germline.
Comment: This sequence change falls in intron 6 of the TNFRSF4 gene. It does not directly change the encoded amino acid sequence of the TNFRSF4 protein. It affects a nucleotide within the consensus splice site. This variant is not present in population databases (gnomAD no frequency). This variant has not been reported in the literature in individuals affected with TNFRSF4-related conditions. ClinVar contains an entry for this variant (Variation ID: 1401820). Variants that disrupt the consensus splice site are a relatively common cause of aberrant splicing (PMID: 17576681, 9536098). Algorithms developed to predict the effect of sequence changes on RNA splicing suggest that this variant may disrupt the consensus splice site. In summary, the available evidence is currently insufficient to determine the role of this variant in disease. Therefore, it has been classified as a Variant of Uncertain Significance.

Literature cited by the submitters: PubMed 17576681; PubMed 9536098.